The following is an entry in ClinVar:

NM_007294.4(BRCA1):c.4066C>A (p.Gln1356Lys)

Genes: BRCA1 (BRCA1 DNA repair associated; minus strand), LOC126862571 (BRD4-independent group 4 enhancer GRCh37_chr17:41243136-41244335; plus strand). Cytogenetic location: 17q21.31.
Variant type: single nucleotide variant.
Coding change: c.4066C>A on transcript NM_007294.4 (MANE Select); coding-DNA position 4066, C replaced by A.
Protein change: p.Gln1356Lys; replaces glutamine 1356 with lysine.
Molecular consequence: missense variant. On other transcripts: intron variant (135).
Genome position (GRCh38, 1-based): chr17:43,091,465, G>T on the plus strand (C>A on the coding strand, the complement: BRCA1 is on the minus strand). VCF-style: chr17-43091465-G-T. GRCh37 (hg19) VCF-style: chr17-41243482-G-T.
Other names: c.3940C>A, p.Gln1314Lys (NM_001407670.1, NM_001407671.1, NM_001407672.1 and 11 more transcripts); c.3943C>A, p.Gln1315Lys (NM_001407674.1, NM_001407675.1, NM_001407676.1 and 19 more transcripts); c.4066C>A, p.Gln1356Lys (NM_001407684.1, NM_001407854.1, NM_001407858.1 and 30 more transcripts); c.3925C>A, p.Gln1309Lys (NM_001407692.1, NM_001407694.1, NM_001407695.1 and 29 more transcripts); c.3922C>A, p.Gln1308Lys (NM_001407740.1, NM_001407741.1, NM_001407742.1 and 20 more transcripts); c.3853C>A, p.Gln1285Lys (NM_001407853.1, NM_001407894.1, NM_001407895.1 and 9 more transcripts); c.4063C>A, p.Gln1355Lys (NM_001407860.1, NM_001407861.1, NM_001407587.1 and 22 more transcripts); c.3865C>A, p.Gln1289Lys (NM_001407862.1); and 41 more; short protein forms Q1309K, Q1356K, Q1244K, Q1267K, Q1268K, Q1286K, Q1315K, Q1329K.
Identifiers: ClinVar variation 1345033 (VCV001345033.6), dbSNP rs886040193, ClinGen allele CA10593829.

ClinVar aggregate classification (germline): Conflicting classifications of pathogenicity. Review status: criteria provided, conflicting classifications (1 of 4 stars). 2 submissions from 2 submitters: Uncertain significance (1); Likely benign (1). Last evaluated 2023-03-23.

Conditions:
Hereditary cancer-predisposing syndrome. Also called: Tumor predisposition; Hereditary Cancer Syndrome; Hereditary neoplastic syndrome; Neoplastic Syndromes, Hereditary. Identifiers: Orphanet 140162, MedGen C0027672, MeSH D009386, MONDO:0015356.
Breast-ovarian cancer, familial, susceptibility to, 1 (BROVCA1). Also called: OVARIAN CANCER, SUSCEPTIBILITY TO; BRCA1 Hereditary Breast and Ovarian Cancer. Identifiers: Orphanet 145, MedGen C2676676, MONDO:0011450, OMIM 604370. Disease mechanism: loss of function.

Submissions (2):

University of Washington Department of Laboratory Medicine, University of Washington
Classification: Likely benign for Hereditary cancer-predisposing syndrome. Last evaluated: 2023-03-23. Review status: criteria provided, single submitter. Criteria: Dines et al. (Genet Med. 2020). Collection method: curation. Allele origin: germline.
Comment: Missense variant in a coldspot region where missense variants are very unlikely to be pathogenic (PMID:31911673).

BRCA1 coldspot (exon 11 using historical exon numbering). Reclassification based on statistical prior probability

University of Science and Technology Houari Boumediene, Laboratory of Molecular and Cellular Biology (LBCM)
Classification: Uncertain significance for Breast-ovarian cancer, familial, susceptibility to, 1. Review status: criteria provided, single submitter. Criteria: ACMG Guidelines, 2015. Collection method: clinical testing. Allele origin: germline. Affected: yes. Observed: 1 heterozygote.

Literature cited by the submitters: PubMed 20683152 (cited by University of Science and Technology Houari Boumediene, Laboratory of Molecular and Cellular Biology (LBCM)); PubMed 22684231 (cited by University of Science and Technology Houari Boumediene, Laboratory of Molecular and Cellular Biology (LBCM)); PubMed 23697973 (cited by University of Science and Technology Houari Boumediene, Laboratory of Molecular and Cellular Biology (LBCM)).